The following is an entry in ClinVar:

NM_001365536.1(SCN9A):c.5710C>A (p.Arg1904Ser)

Genes: SCN9A (sodium voltage-gated channel alpha subunit 9; minus strand), SCN1A-AS1 (SCN1A and SCN9A antisense RNA 1; plus strand). Cytogenetic location: 2q24.3.
Variant type: single nucleotide variant.
Coding change: c.5710C>A on transcript NM_001365536.1 (MANE Select); coding-DNA position 5710, C replaced by A.
Protein change: p.Arg1904Ser; replaces arginine 1904 with serine.
Molecular consequence: missense variant.
Genome position (GRCh38, 1-based): chr2:166,198,929, G>T on the plus strand (C>A on the coding strand, the complement: SCN9A is on the minus strand). VCF-style: chr2-166198929-G-T. GRCh37 (hg19) VCF-style: chr2-167055439-G-T.
Other names: c.5677C>A, p.Arg1893Ser (NM_002977.4); short protein forms R1893S, R1904S.
Identifiers: ClinVar variation 952493 (VCV000952493.10), dbSNP rs372083483, ClinGen allele CA349051672.

ClinVar aggregate classification (germline): Uncertain significance (1 of 4 stars; one submission).

Conditions:
Generalized epilepsy with febrile seizures plus, type 7 (GEFSP7). Also called: GEFS+, TYPE 7. Identifiers: Orphanet 36387, MedGen C2751778, MONDO:0013470, OMIM 613863.
Neuropathy, hereditary sensory and autonomic, type 2A (HSAN2A). Also called: MORVAN DISEASE; NEUROPATHY, CONGENITAL SENSORY; NEUROPATHY, HEREDITARY SENSORY RADICULAR, AUTOSOMAL RECESSIVE; NEUROPATHY, HEREDITARY SENSORY, TYPE IIA; NEUROPATHY, PROGRESSIVE SENSORY, OF CHILDREN; ACROOSTEOLYSIS, GIACCAI TYPE. Identifiers: Orphanet 970, MedGen C2752089, MONDO:0024309, OMIM 201300.

Submission:

Labcorp Genetics (formerly Invitae), Labcorp
Classification: Uncertain significance for Neuropathy, hereditary sensory and autonomic, type 2A; Generalized epilepsy with febrile seizures plus, type 7. Last evaluated: 2024-10-23. Review status: criteria provided, single submitter. Criteria: Invitae Variant Classification Sherloc (09022015). Collection method: clinical testing. Allele origin: germline.
Comment: This sequence change replaces arginine, which is basic and polar, with serine, which is neutral and polar, at codon 1893 of the SCN9A protein (p.Arg1893Ser). This variant is not present in population databases (gnomAD no frequency). This variant has not been reported in the literature in individuals affected with SCN9A-related conditions. ClinVar contains an entry for this variant (Variation ID: 952493). Invitae Evidence Modeling of protein sequence and biophysical properties (such as structural, functional, and spatial information, amino acid conservation, physicochemical variation, residue mobility, and thermodynamic stability) indicates that this missense variant is not expected to disrupt SCN9A protein function with a negative predictive value of 95%. In summary, the available evidence is currently insufficient to determine the role of this variant in disease. Therefore, it has been classified as a Variant of Uncertain Significance.